The following is an entry in ClinVar:

NM_020987.5(ANK3):c.3251A>T (p.Asn1084Ile)

Gene: ANK3 (ankyrin 3; minus strand). Cytogenetic location: 10q21.2.
Variant type: single nucleotide variant.
Coding change: c.3251A>T on transcript NM_020987.5 (MANE Select); coding-DNA position 3251, A replaced by T.
Protein change: p.Asn1084Ile; replaces asparagine 1084 with isoleucine.
Molecular consequence: missense variant.
Genome position (GRCh38, 1-based): chr10:60,105,982, T>A on the plus strand (A>T on the coding strand, the complement: ANK3 is on the minus strand). VCF-style: chr10-60105982-T-A. GRCh37 (hg19) VCF-style: chr10-61865740-T-A.
Other names: c.653A>T, p.Asn218Ile (NM_001149.4); c.3233A>T, p.Asn1078Ile (NM_001204403.2); c.3254A>T, p.Asn1085Ile (NM_001204404.2); c.3251A>T, p.Asn1084Ile (NM_001320874.2); short protein forms N1085I, N218I, N1084I, N1078I.
Identifiers: ClinVar variation 2546686 (VCV002546686.3), dbSNP rs2492794771, ClinGen allele CA376991424.

ClinVar aggregate classification (germline): Uncertain significance (1 of 4 stars; one submission).

Conditions:
Inborn genetic diseases. Identifiers: MedGen C0950123, MeSH D030342.

Submission:

Ambry Genetics
Classification: Uncertain significance for Inborn genetic diseases. Last evaluated: 2023-06-21. Review status: criteria provided, single submitter. Criteria: Ambry Variant Classification Scheme 2023. Collection method: clinical testing. Allele origin: germline.
Comment: The c.3251A>T (p.N1084I) alteration is located in exon 28 (coding exon 28) of the ANK3 gene. This alteration results from a A to T substitution at nucleotide position 3251, causing the asparagine (N) at amino acid position 1084 to be replaced by an isoleucine (I). This variant was not reported in population-based cohorts in the Genome Aggregation Database (gnomAD). This amino acid position is highly conserved in available vertebrate species. This alteration is predicted to be tolerated by in silico analysis. Based on insufficient or conflicting evidence, the clinical significance of this alteration remains unclear.